The following is an entry in ClinVar:

ClinVar aggregate classification (germline): Pathogenic (1 of 4 stars; one submission).

Submission:

GeneDx
Classification: Pathogenic. Last evaluated: 2022-01-28. Review status: criteria provided, single submitter. Criteria: GeneDx Variant Classification Process June 2021. Collection method: clinical testing. Allele origin: germline. Affected: yes.
Comment: Canonical splice site variant predicted to result in a null allele in a gene for which loss-of-function is a known mechanism of disease; Not observed at significant frequency in large population cohorts (gnomAD); This variant is associated with the following publications: (PMID: 27835667)

NM_000297.4(PKD2):c.2358+1G>C

Gene: PKD2 (polycystin 2, transient receptor potential cation channel; plus strand). Cytogenetic location: 4q22.1.
Variant type: single nucleotide variant.
Coding change: c.2358+1G>C on transcript NM_000297.4 (MANE Select); the canonical splice donor site of the intron after coding-DNA position 2358, G replaced by C.
Molecular consequence: splice donor variant.
Genome position (GRCh38, 1-based): chr4:88,065,880, G>C. VCF-style: chr4-88065880-G-C. GRCh37 (hg19) VCF-style: chr4-88987032-G-C.
Identifiers: ClinVar variation 1693454 (VCV001693454.2), dbSNP rs2110138755, ClinGen allele CA357625582.